The following is an entry in ClinVar:

ClinVar aggregate classification (germline): Benign/Likely benign. Review status: criteria provided, multiple submitters, no conflicts (2 of 4 stars). 2 submissions from 2 submitters: Benign (1); Likely benign (1). Last evaluated 2026-04-21.

gnomAD v4.1: 98 of 1,591,032 alleles (0.0062%); highest among the groups gnomAD compares: Non-Finnish European, 0.008%; no homozygotes.

Submissions (2):

Women's Health and Genetics/Laboratory Corporation of America, LabCorp
Classification: Benign. Last evaluated: 2026-04-21. Review status: criteria provided, single submitter. Criteria: LabCorp Variant Classification Summary - May 2015. Collection method: clinical testing. Allele origin: germline.
Comment: Variant summary: CERT1 c.468G>A alters a conserved nucleotide resulting in a synonymous change. Consensus agreement among computation tools predict no significant impact on normal splicing. However, these predictions have yet to be confirmed by functional studies. The variant allele was found at a frequency of 3.9e-05 in 258158 control chromosomes. The observed variant frequency exceeds the estimated maximal expected allele frequency for disease-causing variants in CERT1, providing supporting evidence for e benign role. To our knowledge, no occurrence of c.468G>A in individuals affected with CERT1-related conditions and no experimental evidence demonstrating its impact on protein function have been reported. No submitters have cited clinical-significance assessments for this variant to ClinVar. Based on the evidence outlined above, the variant was classified as benign.

Blueprint Genetics
Classification: Likely benign. Last evaluated: 2024-10-03. Review status: criteria provided, single submitter. Criteria: ACMG Guidelines, 2015. Collection method: clinical testing. Allele origin: germline.

NM_001379029.1(CERT1):c.84G>A (p.Gly28=)

Genes: CERT1 (ceramide transporter 1; minus strand), POLK (DNA polymerase kappa; plus strand). Cytogenetic location: 5q13.3.
Variant type: single nucleotide variant.
Coding change: c.84G>A on transcript NM_001379029.1 (MANE Select); coding-DNA position 84, G replaced by A.
Protein change: p.Gly28=; no amino-acid change (glycine 28 retained).
Molecular consequence: synonymous variant.
Genome position (GRCh38, 1-based): chr5:75,511,124, C>T on the plus strand (G>A on the coding strand, the complement: CERT1 is on the minus strand). VCF-style: chr5-75511124-C-T. GRCh37 (hg19) VCF-style: chr5-74806949-C-T.
Other names: c.468G>A, p.Gly156= (NM_001130105.1); c.84G>A, p.Gly28= (NM_001379002.1, NM_001379003.1, NM_001379004.1 and 2 more transcripts).
Identifiers: ClinVar variation 4848346 (VCV004848346.2).